The following is an entry in ClinVar:

ClinVar aggregate classification (germline): Uncertain significance. Review status: criteria provided, multiple submitters, no conflicts (2 of 4 stars). 2 submissions from 2 submitters: Uncertain significance (2). Last evaluated 2024-05-21.

Allele frequency attached by ClinVar (database versions not stated): gnomAD 0.00003; gnomAD exomes 0.00003 and 0.00004; TOPMed 0.00004; ExAC 0.00006; ESP Exome Variant Server 0.00008.
gnomAD v4.1: 60 of 1,593,434 alleles (0.0038%); highest among the groups gnomAD compares: Non-Finnish European, 0.0044%; no homozygotes.

Submissions (2):

GeneDx
Classification: Uncertain significance. Last evaluated: 2024-05-21. Review status: criteria provided, single submitter. Criteria: GeneDx Variant Classification Process June 2021. Collection method: clinical testing. Allele origin: germline. Affected: yes.
Comment: In silico analysis indicates that this missense variant does not alter protein structure/function; Has not been previously published as pathogenic or benign to our knowledge

Labcorp Genetics (formerly Invitae), Labcorp
Classification: Uncertain significance. Last evaluated: 2021-08-27. Review status: criteria provided, single submitter. Criteria: Invitae Variant Classification Sherloc (09022015). Collection method: clinical testing. Allele origin: germline.
Comment: This sequence change replaces histidine with arginine at codon 808 of the MPDZ protein (p.His808Arg). The histidine residue is highly conserved and there is a small physicochemical difference between histidine and arginine. This variant is present in population databases (rs369610422, ExAC 0.01%). This missense change has been observed in individual(s) with inherited retinal dystrophy (Invitae). Algorithms developed to predict the effect of missense changes on protein structure and function are either unavailable or do not agree on the potential impact of this missense change (SIFT: "Deleterious"; PolyPhen-2: "Benign"; Align-GVGD: "Class C0"). In summary, the available evidence is currently insufficient to determine the role of this variant in disease. Therefore, it has been classified as a Variant of Uncertain Significance.

NM_001378778.1(MPDZ):c.2423A>G (p.His808Arg)

Gene: MPDZ (multiple PDZ domain crumbs cell polarity complex component; minus strand). Cytogenetic location: 9p23.
Variant type: single nucleotide variant.
Coding change: c.2423A>G on transcript NM_001378778.1 (MANE Select); coding-DNA position 2423, A replaced by G.
Protein change: p.His808Arg; replaces histidine 808 with arginine.
Molecular consequence: missense variant.
Genome position (GRCh38, 1-based): chr9:13,186,328, T>C on the plus strand (A>G on the coding strand, the complement: MPDZ is on the minus strand). VCF-style: chr9-13186328-T-C. GRCh37 (hg19) VCF-style: chr9-13186327-T-C.
Other names: c.2423A>G, p.His808Arg (NM_001375416.1, NM_001375417.1, NM_001375418.1 and 14 more transcripts); c.2423A>G (NM_003829.4); short protein forms H808R.
Identifiers: ClinVar variation 1413065 (VCV001413065.6), dbSNP rs369610422, ClinGen allele CA4987464.
Genomic context (GRCh38, chr9:13,186,328, plus strand): 5'-ACCAGAGCCAAGTCAGCCCTGAAGAGGGGTTTGTCAGCCAGCCCTGCTTCCTCACAGGAG[T>C]GTGGTGGGTAGAGAAAGGAATCCTCCTTAGCAGAAACATAACCTTCTTCTGGTGAAAGCT-3'
Protein context (NP_001365707.1, residues 798-818): AKEDSFLYPP[His808Arg]SCEEAGLADK